The following is an entry in ClinVar:

NM_001139.3(ALOX12B):c.944T>C (p.Leu315Pro)

Gene: ALOX12B (arachidonate 12-lipoxygenase, 12R type; minus strand). Cytogenetic location: 17p13.1.
Variant type: single nucleotide variant.
Coding change: c.944T>C on transcript NM_001139.3 (MANE Select); coding-DNA position 944, T replaced by C.
Protein change: p.Leu315Pro; replaces leucine 315 with proline.
Molecular consequence: missense variant.
Genome position (GRCh38, 1-based): chr17:8,079,523, A>G on the plus strand (T>C on the coding strand, the complement: ALOX12B is on the minus strand). VCF-style: chr17-8079523-A-G. GRCh37 (hg19) VCF-style: chr17-7982841-A-G.
Other names: short protein forms L315P.
Identifiers: ClinVar variation 930992 (VCV000930992.7), dbSNP rs1977160529, ClinGen allele CA397993435.
Genomic context (GRCh38, chr17:8,079,523, plus strand): 5'-TGCTGCTTCCGGCCGCTGAGCTCCACGGTGGGGATGCCCTCCATGATGCGGTAGTCGGCC[A>G]GGTAAATGTTCCCCTTCTGGAGGGGAGCCGCGATGGGTGGCAAGTAGGCACCCACACGGG-3'
Protein context (NP_001130.1, residues 305-325): QAELEKGNIY[Leu315Pro]ADYRIMEGIP

ClinVar aggregate classification (germline): Conflicting classifications of pathogenicity. Review status: criteria provided, conflicting classifications (1 of 4 stars). 3 submissions from 3 submitters: Likely pathogenic (1); Uncertain significance (2). Last evaluated 2025-11-17.

Conditions:
Autosomal recessive congenital ichthyosis 2 (ARCI2). Identifiers: Orphanet 281122, Orphanet 79394, MedGen C3888093, MONDO:0009439, OMIM 242100.

Submissions (3):

Women's Health and Genetics/Laboratory Corporation of America, LabCorp
Classification: Uncertain significance. Last evaluated: 2025-11-17. Review status: criteria provided, single submitter. Criteria: LabCorp Variant Classification Summary - May 2015. Collection method: clinical testing. Allele origin: germline.
Comment: Variant summary: ALOX12B c.944T>C (p.Leu315Pro) results in a non-conservative amino acid change in the encoded protein sequence. Algorithms developed to predict the effect of missense changes on protein structure and function all suggest that this variant is likely to be disruptive. The variant was absent in 155552 control chromosomes (gnomAD). c.944T>C has been observed in at least one individual affected with Lamellar Ichthyosis (Bastaki_2017, El Naofal_2023). These data indicate that the variant may be associated with disease. To our knowledge, no experimental evidence demonstrating an impact on protein function has been reported. The following publications have been ascertained in the context of this evaluation (PMID: 28236338, 36703223). ClinVar contains an entry for this variant (Variation ID: 930992). Based on the evidence outlined above, the variant was classified as VUS-possibly pathogenic.

Dubai Health Genomic Medicine Center, Dubai Health
Classification: Uncertain significance for Autosomal recessive congenital ichthyosis 2. Last evaluated: 2020-10-06. Review status: criteria provided, single submitter. Criteria: ACMG Guidelines, 2015. Collection method: clinical testing. Allele origin: germline. Affected: yes.
Comment: This variant was absent from large population studies such as the Genome Aggregation Database (gnomAD) or the Greater Middle East (GME) variome database. Computational prediction tools and conservation analysis do not provide strong evidence for or against pathogenicity. In summary more information is needed to determine the clinical significance of this variant however based on the above information we lean more towards a likely pathogenic role.

Centre for Mendelian Genomics, University Medical Centre Ljubljana
Classification: Likely pathogenic for Autosomal recessive congenital ichthyosis 2. Last evaluated: 2016-01-01. Review status: criteria provided, single submitter. Criteria: ACMG Guidelines, 2015. Collection method: clinical testing. Allele origin: unknown. Affected: yes.
Comment: This variant was classified as: Likely pathogenic. The following ACMG criteria were applied in classifying this variant: PS1,PM2,PP2,PP3.

Literature cited by the submitters: PubMed 36703223 (cited by Women's Health and Genetics/Laboratory Corporation of America, LabCorp); PubMed 28236338 (cited by Women's Health and Genetics/Laboratory Corporation of America, LabCorp).